The following is an entry in ClinVar:

ClinVar aggregate classification (germline): Likely pathogenic. Review status: reviewed by expert panel (3 of 4 stars). 10 submissions from 10 submitters: Likely pathogenic (1). 9 of the submissions do not count toward it. Last evaluated 2025-12-02.

Conditions:
Hereditary cancer-predisposing syndrome. Also called: Hereditary Cancer Syndrome; Hereditary neoplastic syndrome; Neoplastic Syndromes, Hereditary; Tumor predisposition. Identifiers: Orphanet 140162, MedGen C0027672, MeSH D009386, MONDO:0015356.
Breast-ovarian cancer, familial, susceptibility to, 1 (BROVCA1). Also called: BRCA1 Hereditary Breast and Ovarian Cancer; OVARIAN CANCER, SUSCEPTIBILITY TO. Identifiers: Orphanet 145, MedGen C2676676, MONDO:0011450, OMIM 604370. Disease mechanism: loss of function.
BRCA1-related cancer predisposition. Identifiers: MedGen CN377757, MONDO:0700268.
Hereditary breast ovarian cancer syndrome. Also called: BRCA1- and BRCA2-Associated Hereditary Breast and Ovarian Cancer; Hereditary breast and ovarian cancer syndrome; Hereditary breast and ovarian cancer syndrome (HBOC); Breast and ovarian cancer; Hereditary breast and/or ovarian cancer syndrome; Hereditary breast and ovarian cancer. Identifiers: Orphanet 145, MedGen C0677776, MeSH D061325, MONDO:0003582. Disease mechanism: loss of function.

Allele frequency attached by ClinVar (database versions not stated): ExAC 0.00001; gnomAD exomes below 0.00001.
gnomAD v4.1: 1 of 1,614,160 alleles (0.000062%); highest among the groups gnomAD compares: South Asian, 0.0011%; no homozygotes.

Submissions 1 to 6 of 11:

ClinGen ENIGMA BRCA1 and BRCA2 Variant Curation Expert Panel, ClinGen
Classification: Likely pathogenic for BRCA1-related cancer predisposition. Last evaluated: 2025-12-02. Review status: reviewed by expert panel. Criteria: CSpec BRCA12ACMG Rules Specifications V1.1. Collection method: curation. Allele origin: germline. Inheritance: Autosomal dominant inheritance.
Comment: The c.5365G>A variant in BRCA1 is a missense variant predicted to cause substitution of Alanine by Threonine at amino acid 1789 (p.(Ala1789Thr)). This variant is present in gnomAD v2.1 (exomes only, non-cancer subset) or gnomAD v3.1 (non-cancer subset) but is below the ENIGMA BRCA1/2 VCEP threshold >0.00002 for BS1_Supporting (PM2_Supporting, BS1, and BA1 are not met). Reported by three calibrated studies to exhibit protein function similar to pathogenic control variants (PMIDs:30209399, 32546644, 38709234) (PS3 met). This BRCA1 missense variant is within a key functional domain and the computational predictor BayesDel (noAF) gives a score of 0.44, above the recommended threshold of 0.28 for prediction of impact on BRCA1 function via protein change. A SpliceAI score of 0 predicts no impact on splicing (score threshold <0.10) (PP3 met). Multifactorial likelihood ratio analysis using clinically calibrated data produced a combined LR for this variant of 3.2 (based on Cosegregation LR=3.2), within the thresholds for supporting evidence towards pathogenicity (LR >2.08 & ≤4.3) (PP4 met; Internal lab contributor). In summary, this variant meets the criteria to be classified as a Likely pathogenic variant for BRCA1-related cancer predisposition based on the ACMG/AMP criteria applied as specified by the ENIGMA BRCA1/2 VCEP (PS3, PP3, PP4).

Mendelics
Classification: Likely pathogenic for Breast-ovarian cancer, familial, susceptibility to, 1. Last evaluated: 2026-06-20. Review status: criteria provided, single submitter. Criteria: Mendelics Assertion Criteria 2017. Collection method: clinical testing. Allele origin: unknown. Not counted in ClinVar's aggregate classification.
Comment: The heterozygous variant c.5365G>A, NM_007294 was identified in the BRCA1 gene, which promotes the substitution of the amino acid alanine at codon 1789 for threonine (p.Ala1789Thr). It is rare, located in a highly conserved position, and has been described in patients with breast and/or ovarian cancer (PMID 30287823, 18680205, 20737206). It was subjected to analyses that suggest a level of functional activity (PMID 18680205, 20737206, 23867111, 30209399, 30765603, 32546644) and post-test probability in a multifactorial model compatible with the interpretation of pathogenicity (PMID 32546644). For this reason, it is classified as a likely pathogenic variant.

Women's Health and Genetics/Laboratory Corporation of America, LabCorp
Classification: Likely pathogenic for Hereditary breast ovarian cancer syndrome. Last evaluated: 2026-04-01. Review status: criteria provided, single submitter. Criteria: LabCorp Variant Classification Summary - May 2015. Collection method: clinical testing. Allele origin: germline. Not counted in ClinVar's aggregate classification.
Comment: Variant summary: BRCA1 c.5365G>A (p.Ala1789Thr) results in a non-conservative amino acid change in the encoded protein sequence. Algorithms developed to predict the effect of missense changes on protein structure and function are either unavailable or do not agree on the potential impact of this missense change. The variant allele was found at a frequency of 4e-06 in 251448 control chromosomes (gnomAD). c.5365G>A has been observed in individuals affected with Hereditary Breast And Ovarian Cancer Syndrome (e.g. Caligo_2009). These data indicate that the variant may be associated with disease. At least one functional study reports experimental evidence evaluating an impact on protein function and showed a damaging effect of this variant on homology directed repair (HDR) activity (e.g. Findlay_2018). HDR assays qualify as a recognized gold standard on the basis of updated guidance provided by the ClinGen Sequence Variant Interpretation (SVI) working group. The following publications have been ascertained in the context of this evaluation (PMID: 30209399, 18680205). ClinVar contains an entry for this variant (Variation ID: 55552). Based on the evidence outlined above, the variant was classified as likely pathogenic.

Labcorp Genetics (formerly Invitae), Labcorp
Classification: Likely pathogenic for Hereditary breast ovarian cancer syndrome. Last evaluated: 2025-12-08. Review status: criteria provided, single submitter. Criteria: Invitae Variant Classification Sherloc (09022015). Collection method: clinical testing. Allele origin: germline. Not counted in ClinVar's aggregate classification.
Comment: This sequence change replaces alanine, which is neutral and non-polar, with threonine, which is neutral and polar, at codon 1789 of the BRCA1 protein (p.Ala1789Thr). This variant is present in population databases (rs80357078, gnomAD no frequency). This missense change has been observed in individuals with breast and/or ovarian cancer (PMID: 18680205, 26381082; internal data). ClinVar contains an entry for this variant (Variation ID: 55552). Invitae Evidence Modeling incorporating data from in vitro experimental studies (PMID: 30209399) indicates that this missense variant is expected to disrupt BRCA1 function with a positive predictive value of 95%. Experimental studies have shown that this missense change affects BRCA1 function (PMID: 18680205, 19493677, 22646717, 23867111, 24104880). In summary, the currently available evidence indicates that the variant is pathogenic, but additional data are needed to prove that conclusively. Therefore, this variant has been classified as Likely Pathogenic.

Ambry Genetics
Classification: Likely pathogenic for Hereditary cancer-predisposing syndrome. Last evaluated: 2025-10-17. Review status: criteria provided, single submitter. Criteria: Ambry Variant Classification Scheme 2023. Collection method: clinical testing. Allele origin: germline. Not counted in ClinVar's aggregate classification.
Comment: The p.A1789T variant (also known as c.5365G>A), located in coding exon 20 of the BRCA1 gene, results from a G to A substitution at nucleotide position 5365. The alanine at codon 1789 is replaced by threonine, an amino acid with similar properties. One functional study found that this nucleotide substitution is non-functional in a high-throughput, genome editing, haploid cell survival assay (Findlay GM et al. Nature, 2018 10;562:217-222). Multiple authors from one group have reported a variety of functional studies including yeast assays and gene expression profiles that suggest the p.A1789T variant could be deleterious (Caligo MA et al. Hum. Mutat. 2009 Jan;30:123-33; Di Cecco L et al. Eur. J. Cancer. 2009 Aug;45:2187-96; Guidugli L et al. Breast Cancer Res. Treat. 2011 Jan;125:265-72; Iofrida C et al. BMC Cancer. 2012 May;12:207; Guglielmi C et al. Breast Cancer Res. Treat., 2013 Oct;141:515-22). Authors of another study found this alteration to be deleterious based on cisplatin and olaparib sensitivity assays in addition to a direct repeat GFP homologous recombination repair assay (Bouwman P et al. Cancer Discov. 2013 Oct;3:1142-55; Bouwman P et al. Clin Cancer Res, 2020 09;26:4559-4568). Additional studies also suggested this alteration could be pathogenic based on its reduced activity in transcription activation assays (Woods NT et al. NPJ Genom Med. 2016 Mar;1; Fernandes VC et al. J Biol Chem, 2019 04;294:5980-5992). This amino acid position is highly conserved in available vertebrate species. In addition, this alteration is predicted to be deleterious by in silico analysis. Based on the majority of available evidence to date, this variant is likely to be pathogenic.

German Consortium for Hereditary Breast and Ovarian Cancer, University Hospital Cologne
Classification: Likely pathogenic for Hereditary breast ovarian cancer syndrome. Last evaluated: 2025-08-12. Review status: criteria provided, single submitter. Criteria: ClinGen BRCA1 V1.1.0. Collection method: curation. Allele origin: germline. Not counted in ClinVar's aggregate classification.
Comment: This classification follows the ClinGen ENIGMA BRCA1 v1.1.0 classification scheme; We chose these criteria: PS3 (strong pathogenic): Reported by three calibrated studies to exhibit protein function similar to pathogenic control variants (PMIDs:30209399, 32546644, 30765603), PP3 (supporting pathogenic): missense variant inside a (potentially) clinically important functional domain and predicted impact via protein change BayesDel no-AF score = 0.442858 ( thus >0.28), PP4 (supporting pathogenic): Combined LR ≥2.08 (3,1958) (PMID: 31131967)

NM_007294.4(BRCA1):c.5365G>A (p.Ala1789Thr)

Gene: BRCA1 (BRCA1 DNA repair associated; minus strand). Cytogenetic location: 17q21.31.
Variant type: single nucleotide variant.
Coding change: c.5365G>A on transcript NM_007294.4 (MANE Select); coding-DNA position 5365, G replaced by A.
Protein change: p.Ala1789Thr; replaces alanine 1789 with threonine.
Molecular consequence: missense variant. On other transcripts: non-coding transcript variant (1), intron variant (1).
Genome position (GRCh38, 1-based): chr17:43,049,162, C>T on the plus strand (G>A on the coding strand, the complement: BRCA1 is on the minus strand). VCF-style: chr17-43049162-C-T. GRCh37 (hg19) VCF-style: chr17-41201179-C-T.
Other names: NM_007294.4(BRCA1):c.5365G>A; c.5362G>A, p.Ala1788Thr (NM_001407625.1, NM_001407626.1, NM_001407610.1 and 14 more transcripts); c.5359G>A, p.Ala1787Thr (NM_001407627.1, NM_001407628.1, NM_001407629.1 and 13 more transcripts); c.5356G>A, p.Ala1786Thr (NM_001407645.1, NM_001407644.1); c.5353G>A, p.Ala1785Thr (NM_001407646.1); c.5350G>A, p.Ala1784Thr (NM_001407647.1); c.5308G>A, p.Ala1770Thr (NM_001407648.1); c.5305G>A, p.Ala1769Thr (NM_001407649.1); and 74 more; short protein forms A1789T, A1742T, A1810T, A685T, A1620T, A1699T, A1747T, A1748T.
Identifiers: ClinVar variation 55552 (VCV000055552.28), dbSNP rs80357078, ClinGen allele CA003531.